The following is an entry in ClinVar:

ClinVar aggregate classification (germline): Uncertain significance (1 of 4 stars; one submission).

Allele frequency attached by ClinVar (database versions not stated): gnomAD exomes 0.00001; ExAC 0.00002.
gnomAD v4.1: 3 of 1,612,626 alleles (0.00019%); highest among the groups gnomAD compares: Admixed American, 0.005%; no homozygotes.

Submission:

Labcorp Genetics (formerly Invitae), Labcorp
Classification: Uncertain significance. Last evaluated: 2025-07-07. Review status: criteria provided, single submitter. Criteria: Invitae Variant Classification Sherloc (09022015). Collection method: clinical testing. Allele origin: germline.
Comment: This sequence change replaces serine, which is neutral and polar, with glycine, which is neutral and non-polar, at codon 92 of the KANK2 protein (p.Ser92Gly). This variant is present in population databases (rs757031760, gnomAD 0.009%). This variant has not been reported in the literature in individuals affected with KANK2-related conditions. ClinVar contains an entry for this variant (Variation ID: 2090543). An algorithm developed to predict the effect of missense changes on protein structure and function (PolyPhen-2) suggests that this variant is likely to be disruptive. In summary, the available evidence is currently insufficient to determine the role of this variant in disease. Therefore, it has been classified as a Variant of Uncertain Significance.

NM_001136191.3(KANK2):c.274A>G (p.Ser92Gly)

Gene: KANK2 (KN motif and ankyrin repeat domains 2; minus strand). Cytogenetic location: 19p13.2.
Variant type: single nucleotide variant.
Coding change: c.274A>G on transcript NM_001136191.3 (MANE Select); coding-DNA position 274, A replaced by G.
Protein change: p.Ser92Gly; replaces serine 92 with glycine.
Molecular consequence: missense variant.
Genome position (GRCh38, 1-based): chr19:11,193,806, T>C on the plus strand (A>G on the coding strand, the complement: KANK2 is on the minus strand). VCF-style: chr19-11193806-T-C. GRCh37 (hg19) VCF-style: chr19-11304482-T-C.
Other names: c.274A>G, p.Ser92Gly (NM_001329451.2, NM_001379548.1, NM_001379549.1 and 15 more transcripts); short protein forms S92G.
Identifiers: ClinVar variation 2090543 (VCV002090543.4), dbSNP rs757031760, ClinGen allele CA9206115.